The following is an entry in ClinVar:

NM_024664.4(PPCS):c.320_334del (p.Pro107_Ala111del)

Genes: CCDC30 (coiled-coil domain containing 30; plus strand), PPCS (phosphopantothenoylcysteine synthetase; plus strand), LOC129930344 (ATAC-STARR-seq lymphoblastoid active region 894; plus strand). Cytogenetic location: 1p34.2.
Variant type: Deletion.
Coding change: c.320_334del on transcript NM_024664.4 (MANE Select); coding-DNA positions 320 to 334, 15 bases deleted (CTTCGGGCCCAGCCC).
Protein change: p.Pro107_Ala111del.
Molecular consequence: inframe deletion. On other transcripts: 5 prime UTR variant (1), intron variant (6).
Genome position (GRCh38, 1-based): chr1:42,456,885-42,456,899, CTTCGGGCCCAGCCC deleted; deleting any 15 consecutive bases within chr1:42,456,884-42,456,899 gives the same sequence; the c. name uses the placement nearest the transcript's 3' end. VCF-style (leftmost placement, unchanged base first): chr1-42456883-GCCTTCGGGCCCAGCC-G. GRCh37 (hg19) VCF-style: chr1-42922554-GCCTTCGGGCCCAGCC-G.
Other names: c.-373_-359del (NM_001287510.2); c.320_334del, p.Pro107_Ala111del (NM_001287511.2); c.-983-362_-983-348del (NM_001355226.2); c.-327-362_-327-348del (NM_001287507.1); c.-11-362_-11-348del (NM_001287506.1); c.-12+161_-12+175del (NM_001287508.2); c.-12+257_-12+271del (NM_001077447.3); c.-12+302_-12+316del (NM_001287509.2).
Identifiers: ClinVar variation 590784 (VCV000590784.7), dbSNP rs753011525, ClinGen allele CA799947.
Genomic context (GRCh38, chr1:42,456,883, plus strand): 5'-TCGCTCTGCCTTCCCCTATGCCCACCGCTTCCCACCCCAGACTTGGCTGTCCGCTCTGCG[GCCTTCGGGCCCAGCC>G]CTTTCGGGCTTGCTGAGCCTGGAGGCCGAGGAGAATGCACTTCCGGGTTTTGCTGAGGCT-3'

ClinVar aggregate classification (germline): Uncertain significance. Review status: criteria provided, single submitter (1 of 4 stars). 2 submissions from 2 submitters: Uncertain significance (1). 1 of the submissions does not count toward it. Last evaluated 2024-10-14.

Conditions:
Cardiomyopathy, dilated, 2c. Identifiers: MedGen C4748647, MONDO:0032592, OMIM 618189.

Submissions (2):

Labcorp Genetics (formerly Invitae), Labcorp
Classification: Uncertain significance. Last evaluated: 2024-10-14. Review status: criteria provided, single submitter. Criteria: Invitae Variant Classification Sherloc (09022015). Collection method: clinical testing. Allele origin: germline.
Comment: This variant, c.320_334del, results in the deletion of 5 amino acid(s) of the PPCS protein (p.Pro107_Ala111del), but otherwise preserves the integrity of the reading frame. This variant is present in population databases (rs753011525, gnomAD 0.007%). This variant has been observed in individuals with clinical features of PPCS-related conditions (PMID: 29754768, 35616428). ClinVar contains an entry for this variant (Variation ID: 590784). Algorithms developed to predict the effect of variants on gene product structure and function are not available or were not evaluated for this variant. Experimental studies have shown that this variant affects PPCS function (PMID: 29754768). In summary, the available evidence is currently insufficient to determine the role of this variant in disease. Therefore, it has been classified as a Variant of Uncertain Significance.

OMIM
Classification: Pathogenic for CARDIOMYOPATHY, DILATED, 2C, WITH MUSCULAR HYPOTONIA AND DYSMORPHIC FEATURES. Last evaluated: 2018-11-15. Review status: no assertion criteria provided. Collection method: literature only. Allele origin: germline. Not counted in ClinVar's aggregate classification.

Literature cited by the submitters: PubMed 29754768 (cited by Labcorp Genetics (formerly Invitae), Labcorp and OMIM); PubMed 35616428 (cited by Labcorp Genetics (formerly Invitae), Labcorp).